The following is an entry in ClinVar:

ClinVar aggregate classification (germline): Likely pathogenic. Review status: criteria provided, multiple submitters, no conflicts (2 of 4 stars). 2 submissions from 2 submitters: Likely pathogenic (2). Last evaluated 2025-09-29.

Conditions:
Bardet-Biedl syndrome (BBS). Identifiers: Orphanet 110, MedGen C0752166, MONDO:0015229.
Bardet-Biedl syndrome 2 (BBS2). Identifiers: Orphanet 110, MedGen C2936863, MONDO:0014432, OMIM 615981.

Allele frequency attached by ClinVar (database versions not stated): ExAC 0.00001; gnomAD 0.00001.
gnomAD v4.1: 1 of 1,613,898 alleles (0.000062%); highest among the groups gnomAD compares: Non-Finnish European, 0.000085%; no homozygotes.

Submissions (2):

Natera, Inc.
Classification: Likely pathogenic for Bardet-Biedl syndrome type 2. Last evaluated: 2025-09-29. Review status: criteria provided, single submitter. Criteria: Natera Variant Classification Schema (03/2026). Collection method: clinical testing. Allele origin: germline.
Comment: The c.1398-2A>G variant in BBS2 is a canonical splice acceptor site variant predicted to affect pre-mRNA splicing, which may result in an abnormal transcript and altered protein product. This variant is expected to result in nonsense mediated decay, truncation, or a dysfunctional protein product. This variant is rare in the general population with a frequency below the threshold expected for the associated phenotype(s). Given the available evidence, this variant is classified as Likely Pathogenic.

Labcorp Genetics (formerly Invitae), Labcorp
Classification: Likely pathogenic for Bardet-Biedl syndrome. Last evaluated: 2025-07-01. Review status: criteria provided, single submitter. Criteria: Invitae Variant Classification Sherloc (09022015). Collection method: clinical testing. Allele origin: germline.
Comment: This sequence change affects an acceptor splice site in intron 11 of the BBS2 gene. It is expected to disrupt RNA splicing. Variants that disrupt the donor or acceptor splice site typically lead to a loss of protein function (PMID: 16199547), and loss-of-function variants in BBS2 are known to be pathogenic (PMID: 11285252, 20177705, 24608809, 26518167). This variant is present in population databases (rs767609303, gnomAD 0.0009%). This variant has not been reported in the literature in individuals affected with BBS2-related conditions. ClinVar contains an entry for this variant (Variation ID: 948986). Algorithms developed to predict the effect of sequence changes on RNA splicing suggest that this variant may disrupt the consensus splice site. In summary, the currently available evidence indicates that the variant is pathogenic, but additional data are needed to prove that conclusively. Therefore, this variant has been classified as Likely Pathogenic.

Literature cited by the submitters: PubMed 16199547 (cited by Labcorp Genetics (formerly Invitae), Labcorp); PubMed 11285252 (cited by Labcorp Genetics (formerly Invitae), Labcorp); PubMed 20177705 (cited by Labcorp Genetics (formerly Invitae), Labcorp); PubMed 24608809 (cited by Labcorp Genetics (formerly Invitae), Labcorp); PubMed 26518167 (cited by Labcorp Genetics (formerly Invitae), Labcorp).

NM_031885.5(BBS2):c.1398-2A>G

Gene: BBS2 (Bardet-Biedl syndrome 2; minus strand). Cytogenetic location: 16q13.
Variant type: single nucleotide variant.
Coding change: c.1398-2A>G on transcript NM_031885.5 (MANE Select); the canonical splice acceptor site of the intron before coding-DNA position 1398, A replaced by G.
Molecular consequence: splice acceptor variant.
Genome position (GRCh38, 1-based): chr16:56,499,909, T>C on the plus strand (A>G on the coding strand, the complement: BBS2 is on the minus strand). VCF-style: chr16-56499909-T-C. GRCh37 (hg19) VCF-style: chr16-56533821-T-C.
Other names: c.1398-2A>G (NM_001377456.1).
Identifiers: ClinVar variation 948986 (VCV000948986.9), dbSNP rs767609303, ClinGen allele CA8065742.